The following continues an entry in ClinVar:

NM_000256.3(MYBPC3):c.2459G>A (p.Arg820Gln)

Gene: MYBPC3. ClinVar aggregate classification (germline): Pathogenic/Likely pathogenic. Pathogenic (9); Likely pathogenic (7).

Submissions 8 to 19 of 19:

Color Diagnostics, LLC DBA Color Health
Classification: Likely pathogenic for Cardiomyopathy. Last evaluated: 2024-08-19. Review status: criteria provided, single submitter. Criteria: ACMG Guidelines, 2015. Collection method: clinical testing. Allele origin: germline.
Comment: This missense variant replaces arginine with glutamine at codon 820 of the fibronectin type 3 domain C6 of the MYBPC3 protein. Computational prediction tools indicate that this variant has a neutral impact on protein structure and function. A functional study performed in a zebrafish model has shown that this variant causes a phenotype consistent with hypertrophic cardiomyopathy (PMID: 25281569). This variant has been reported in over 30 unrelated individuals affected with hypertrophic cardiomyopathy (PMID: 12628722, 14563344, 16181148, 22112859, 22267749, 24510615, 25351510, 27483260, 27532257, 28087566, 32492895, 32830170, 32841044, 33407484, 33487615, 33495596, 33495597, 33658040, 33673806, 33782553, 34542152, 38489124, 38757491). It has been shown that this variant segregates with disease in six affected individuals across three families (PMID: 12628722). This variant has been reported in an individual affected with pediatric hypertrophic cardiomyopathy in compound heterozygous state with a different MYBPC3 variant (PMID: 25281569). This variant has also been reported in two individuals affected with dilated cardiomyopathy (PMID: 12628722, 15671604, 31524317). A different variant affecting the same codon, p.Arg820Trp, is considered to be disease-causing (ClinVar variation ID: 195850), suggesting that arginine at this position is important for MYBPC3 protein function. This variant has been identified in 5/249220 chromosomes in the general population by the Genome Aggregation Database (gnomAD). Based on the available evidence, this variant is classified as Likely Pathogenic.

Genomic Medicine Center of Excellence, King Faisal Specialist Hospital and Research Centre
Classification: Pathogenic for Hypertrophic cardiomyopathy 4. Last evaluated: 2024-03-26. Review status: criteria provided, single submitter. Criteria: ACMG Guidelines, 2015. Collection method: clinical testing. Allele origin: germline.

Women's Health and Genetics/Laboratory Corporation of America, LabCorp
Classification: Pathogenic for Primary familial hypertrophic cardiomyopathy. Last evaluated: 2023-07-10. Review status: criteria provided, single submitter. Criteria: LabCorp Variant Classification Summary - May 2015. Collection method: clinical testing. Allele origin: germline.
Comment: Variant summary: MYBPC3 c.2459G>A (p.Arg820Gln) results in a conservative amino acid change located in the fibronectin type III domain (IPR003961) of the encoded protein sequence. Two of four in-silico tools predict a benign effect of the variant on protein function. The variant allele was found at a frequency of 2e-05 in 249220 control chromosomes (gnomAD). c.2459G>A has been reported in the literature in multiple individuals and several families affected with Hypertrophic Cardiomyopathy, many of East Asian ancestry (e.g. Konno_2003, Hodatsu_2014, Chung_2020). These data indicate that the variant is very likely to be associated with disease. A publication reporting experimental evidence evaluating an impact on protein function in a zebrafish model suggests the variant may result in a more severe cardiac phenotype when together with p.Val762Asp in comparison to p.Val762Asp alone; however, since p.Arg820Gln was not examined alone, this study does not necessarily allow convincing conclusions about the variant effect (Hodatsu_2014). The following publications have been ascertained in the context of this evaluation (PMID: 32380161, 25281569, 12628722). Nine submitters have cited clinical-significance assessments for this variant to ClinVar after 2014 and all classified the variant as pathogenic/likely pathogenic. Based on the evidence outlined above, the variant was classified as pathogenic.

Clinical Center for Gene Diagnosis and Therapy, Department of Cardiovascular Surgery, The Second Xiangya Hospital of Central South University
Classification: Pathogenic for Primary familial hypertrophic cardiomyopathy. Last evaluated: 2023-06-01. Review status: criteria provided, single submitter. Criteria: ACMG Guidelines, 2015. Collection method: clinical testing. Allele origin: germline. Affected: yes.

Laboratory for Molecular Medicine, Mass General Brigham Personalized Medicine
Classification: Likely pathogenic for Hypertrophic cardiomyopathy. Last evaluated: 2022-11-03. Review status: criteria provided, single submitter. Criteria: ACMG Guidelines, 2015. Collection method: clinical testing. Allele origin: germline. Inheritance: Autosomal dominant inheritance.
Comment: The p.Arg820Gln variant in MYBPC3 has been reported in 16 individuals with HCM, segregated with disease in 6 affected relatives from 3 families (Konno 2003 PMID: 12628722, Nanni 2003 PMID: 12951062, Alders 2003 PMID: 14563344, Shimizu 2003 PMID: 15671604, Konno 2006 PMID: 16181148, Kapplinger 2014 PMID: 24510615, and Hodatsu 2014 PMID: 25281569, LMM data), and has also been reported in ClinVar (Variation ID 8617). Additionally, it has been identified in 3/111676 of European chromosomes and 1/17248 of East Asian chromosomes by the Genome Aggregation Database (gnomAD; dbSNP rs2856655). Animal models (zebrafish) support that this variant causes HCM (Hodatsu et al. 2014 PMID: 25281569). In summary, this variant meets criteria to be classified as likely pathogenic for hypertrophic cardiomyopathy in an autosomal dominant manner. ACMG/AMP Criteria Applied: PS4, PM2_Supporting, PS3_Moderate, PP1_Moderate.

Revvity Omics, Revvity
Classification: Likely pathogenic. Last evaluated: 2021-10-29. Review status: criteria provided, single submitter. Criteria: ACMG Guidelines, 2015. Collection method: clinical testing. Allele origin: germline.

Fulgent Genetics
Classification: Pathogenic for Hypertrophic cardiomyopathy 4; Left ventricular noncompaction 10. Last evaluated: 2021-10-16. Review status: criteria provided, single submitter. Criteria: ACMG Guidelines, 2015. Collection method: clinical testing. Allele origin: unknown.

AiLife Diagnostics
Classification: Pathogenic. Last evaluated: 2021-08-03. Review status: criteria provided, single submitter. Criteria: ACMG Guidelines, 2015. Collection method: clinical testing. Allele origin: germline. Affected: yes. Observed: 1 variant allele.

CHEO Genetics Diagnostic Laboratory, Children's Hospital of Eastern Ontario
Classification: Likely pathogenic for Cardiomyopathy. Last evaluated: 2018-02-05. Review status: criteria provided, single submitter. Criteria: ACMG Guidelines, 2015. Collection method: clinical testing. Allele origin: germline.

Medical Genome Center, National Cerebral and Cardiovascular Center
Classification: Likely pathogenic for Cardiomyopathy. Last evaluated: 2025-03-01. Review status: no assertion criteria provided. Collection method: clinical testing. Allele origin: germline. Affected: yes. Not counted in ClinVar's aggregate classification.
Comment: NM_000256.3: c.2459G>A is identified in the Japanese general populations in a heterozygous manner (MAF 0.0003), and not all heterozygous carriers suffer cardiomyopathy. The variant seems to be a modifier for hypertrophic cardiomyopathy.

PreventionGenetics, part of Exact Sciences
Classification: Likely pathogenic for MYBPC3-related condition. Last evaluated: 2024-03-14. Review status: no assertion criteria provided. Collection method: clinical testing. Allele origin: germline. Not counted in ClinVar's aggregate classification.
Comment: The MYBPC3 c.2459G>A variant is predicted to result in the amino acid substitution p.Arg820Gln. This variant has been reported in the heterozygous state in individuals with hypertrophic cardiomyopathy and segregated with disease in multiple families (see, for example, Konno et al. 2003. PubMed ID: 12628722; Kim et al. 2020. PubMed ID: 32492895; Supplemental Table 2, Field et al. 2022. PubMed ID: 34400558), although it has been detected in the heterozygous state in asymptomatic carriers as well (Konno et al. 2003. PubMed ID: 12628722; Hayashi et al. 2018. PubMed ID: 29907873). In vitro and in vivo experimental studies suggest this variant may affect protein function through impaired protein stability or protein-protein interactions within the sarcomere (Hodatsu et al. 2014. PubMed ID: 25281569; Nadvi et al. 2015. PubMed ID: 26688216; Pearce et al. 2024. PubMed ID: 38042491). Alternative nucleotide changes affecting the same amino acid (p.Arg820Trp, p.Arg820Pro) have been reported in individuals with hypertrophic cardiomyopathy (Ripoll Vera et al 2010. PubMed ID: 20542340; Supplementary Table S2, Sepp et al. 2022. PubMed ID: 35626289 ). This variant is reported in 0.0056% of alleles in individuals of East Asian descent in gnomAD. This variant is interpreted as likely pathogenic.

OMIM
Classification: Pathogenic for CARDIOMYOPATHY, FAMILIAL HYPERTROPHIC, 4. Last evaluated: 2005-02-01. Review status: no assertion criteria provided. Collection method: literature only. Allele origin: germline. Not counted in ClinVar's aggregate classification.

Literature cited by the submitters: PubMed 12628722 (cited by 9 submitters); PubMed 12951062 (cited by 4 submitters); PubMed 18929575 (cited by Ambry Genetics and Labcorp Genetics (formerly Invitae), Labcorp); PubMed 22112859 (cited by 4 submitters); PubMed 25351510 (cited by 3 submitters); PubMed 27532257 (cited by 4 submitters); PubMed 28087566 (cited by 4 submitters); PubMed 25281569 (cited by 7 submitters); PubMed 20542340 (cited by 3 submitters); PubMed 18761664 (cited by Labcorp Genetics (formerly Invitae), Labcorp); PubMed 20800588 (cited by Labcorp Genetics (formerly Invitae), Labcorp); PubMed 22267749 (cited by 3 submitters); PubMed 27483260 (cited by 3 submitters); PubMed 14563344 (cited by 3 submitters); PubMed 15671604 (cited by 4 submitters); PubMed 16181148 (cited by 3 submitters); PubMed 24510615 (cited by 3 submitters); PubMed 31524317 (cited by 3 submitters); PubMed 32492895 (cited by All of Us Research Program, National Institutes of Health and Color Diagnostics, LLC DBA Color Health); PubMed 32830170 (cited by All of Us Research Program, National Institutes of Health and Color Diagnostics, LLC DBA Color Health); PubMed 32841044 (cited by All of Us Research Program, National Institutes of Health and Color Diagnostics, LLC DBA Color Health); PubMed 33407484 (cited by All of Us Research Program, National Institutes of Health and Color Diagnostics, LLC DBA Color Health); PubMed 33487615 (cited by All of Us Research Program, National Institutes of Health and Color Diagnostics, LLC DBA Color Health); PubMed 33495596 (cited by All of Us Research Program, National Institutes of Health and Color Diagnostics, LLC DBA Color Health); PubMed 33495597 (cited by All of Us Research Program, National Institutes of Health and Color Diagnostics, LLC DBA Color Health); PubMed 33658040 (cited by All of Us Research Program, National Institutes of Health and Color Diagnostics, LLC DBA Color Health); PubMed 33673806 (cited by All of Us Research Program, National Institutes of Health and Color Diagnostics, LLC DBA Color Health); PubMed 33782553 (cited by All of Us Research Program, National Institutes of Health and Color Diagnostics, LLC DBA Color Health); PubMed 34542152 (cited by All of Us Research Program, National Institutes of Health and Color Diagnostics, LLC DBA Color Health); PubMed 38489124 (cited by All of Us Research Program, National Institutes of Health and Color Diagnostics, LLC DBA Color Health); PubMed 38757491 (cited by All of Us Research Program, National Institutes of Health and Color Diagnostics, LLC DBA Color Health); PubMed 32380161 (cited by Women's Health and Genetics/Laboratory Corporation of America, LabCorp); PubMed 26688216 (cited by Laboratory for Molecular Medicine, Mass General Brigham Personalized Medicine and AiLife Diagnostics); PubMed 29907873 (cited by AiLife Diagnostics); PubMed 30165862 (cited by AiLife Diagnostics); PubMed 29398688 (cited by AiLife Diagnostics); PubMed 30847666 (cited by AiLife Diagnostics); PubMed 31447099 (cited by AiLife Diagnostics); PubMed 40115818 (cited by Medical Genome Center, National Cerebral and Cardiovascular Center).